The following is an entry in ClinVar:

ClinVar aggregate classification (germline): Uncertain significance (1 of 4 stars; one submission).

Allele frequency attached by ClinVar (database versions not stated): gnomAD exomes below 0.00001.

Submission:

GeneDx
Classification: Uncertain significance. Last evaluated: 2023-01-25. Review status: criteria provided, single submitter. Criteria: GeneDx Variant Classification Process June 2021. Collection method: clinical testing. Allele origin: germline. Affected: yes.
Comment: Not observed at significant frequency in large population cohorts (gnomAD); In silico analysis supports that this missense variant does not alter protein structure/function; Has not been previously published as pathogenic or benign to our knowledge.

NM_003108.4(SOX11):c.1021A>G (p.Thr341Ala)

Gene: SOX11 (SRY-box transcription factor 11; plus strand). Cytogenetic location: 2p25.2.
Variant type: single nucleotide variant.
Coding change: c.1021A>G on transcript NM_003108.4 (MANE Select); coding-DNA position 1021, A replaced by G.
Protein change: p.Thr341Ala; replaces threonine 341 with alanine.
Molecular consequence: missense variant.
Genome position (GRCh38, 1-based): chr2:5,693,742, A>G. VCF-style: chr2-5693742-A-G. GRCh37 (hg19) VCF-style: chr2-5833874-A-G.
Other names: short protein forms T341A.
Identifiers: ClinVar variation 2574368 (VCV002574368.1), dbSNP rs2465088611, ClinGen allele CA345867942.
Genomic context (GRCh38, chr2:5,693,742, plus strand): 5'-CAGCACCCGCCGCCGCTCGCGCAGCCCGCGCTGTCGCCCGCGTCCTCGCGCTCGGTGTCC[A>G]CCTCCTCGTCCAGCAGCAGCGGCAGCAGCAGCGGCAGCAGCGGCGAGGACGCCGACGACC-3'
Protein context (NP_003099.1, residues 331-351): LSPASSRSVS[Thr341Ala]SSSSSSGSSS